The following is an entry in ClinVar:

ClinVar aggregate classification (germline): Uncertain significance (1 of 4 stars; one submission).

gnomAD v4.1: 1 of 1,613,794 alleles (0.000062%); highest among the groups gnomAD compares: Admixed American, 0.0017%; no homozygotes.

Submission:

Labcorp Genetics (formerly Invitae), Labcorp
Classification: Uncertain significance. Last evaluated: 2024-11-05. Review status: criteria provided, single submitter. Criteria: Invitae Variant Classification Sherloc (09022015). Collection method: clinical testing. Allele origin: germline.
Comment: This sequence change replaces glutamine, which is neutral and polar, with histidine, which is basic and polar, at codon 2132 of the BPTF protein (p.Gln2132His). This variant is present in population databases (no rsID available, gnomAD 0.003%). This variant has not been reported in the literature in individuals affected with BPTF-related conditions. An algorithm developed to predict the effect of missense changes on protein structure and function (PolyPhen-2) suggests that this variant is likely to be tolerated. In summary, the available evidence is currently insufficient to determine the role of this variant in disease. Therefore, it has been classified as a Variant of Uncertain Significance.

NM_182641.4(BPTF):c.6018G>C (p.Gln2006His)

Gene: BPTF (bromodomain PHD finger transcription factor; plus strand). Cytogenetic location: 17q24.2.
Variant type: single nucleotide variant.
Coding change: c.6018G>C on transcript NM_182641.4 (MANE Select); coding-DNA position 6018, G replaced by C.
Protein change: p.Gln2006His; replaces glutamine 2006 with histidine.
Molecular consequence: missense variant.
Genome position (GRCh38, 1-based): chr17:67,929,355, G>C. VCF-style: chr17-67929355-G-C. GRCh37 (hg19) VCF-style: chr17-65925471-G-C.
Other names: c.6396G>C, p.Gln2132His (NM_004459.7); short protein forms Q2132H, Q2006H.
Identifiers: ClinVar variation 3712447 (VCV003712447.2).
Genomic context (GRCh38, chr17:67,929,355, plus strand): 5'-TAAAGTGATAGTTTTTAATTATGGCTTCATCTTTTTTTAAGGCGTTGTTCAAGTACAGCA[G>C]AAAGTCCTGGGTATCATTCCATCAAGTACAGGTACCAGTCAGCAAACCTTTACTTCATTC-3'
Protein context (NP_872579.2, residues 1996-2016): QSNSGVVQVQ[Gln2006His]KVLGIIPSST